The following is an entry in ClinVar:

NM_001852.4(COL9A2):c.116G>T (p.Gly39Val)

Genes: COL9A2 (collagen type IX alpha 2 chain; minus strand), LOC129930261 (ATAC-STARR-seq lymphoblastoid silent region 724; plus strand). Cytogenetic location: 1p34.2.
Variant type: single nucleotide variant.
Coding change: c.116G>T on transcript NM_001852.4 (MANE Select); coding-DNA position 116, G replaced by T.
Protein change: p.Gly39Val; replaces glycine 39 with valine.
Molecular consequence: missense variant.
Genome position (GRCh38, 1-based): chr1:40,315,624, C>A on the plus strand (G>T on the coding strand, the complement: COL9A2 is on the minus strand). VCF-style: chr1-40315624-C-A. GRCh37 (hg19) VCF-style: chr1-40781296-C-A.
Other names: short protein forms G39V.
Identifiers: ClinVar variation 4769407 (VCV004769407.1).
Genomic context (GRCh38, chr1:40,315,624, plus strand): 5'-GCCCTGGTCTCAGGTTAGAGACTTACGTCGATGCCGTCGGATCCAGGCACTCCCGGCGGT[C>A]CCGGGGGACCCGGGGGGCCCCGCTCTCCCGGTGGACCTCTCTGAAAAACACACACGGGGT-3'
Protein context (NP_001843.1, residues 29-49): PGERGPPGPP[Gly39Val]PPGVPGSDGI

ClinVar aggregate classification (germline): Uncertain significance (1 of 4 stars; one submission).

gnomAD v4.1: 5 of 1,553,288 alleles (0.00032%); highest among the groups gnomAD compares: Non-Finnish European, 0.00035%; no homozygotes.

Submission:

Labcorp Genetics (formerly Invitae), Labcorp
Classification: Uncertain significance. Last evaluated: 2025-10-07. Review status: criteria provided, single submitter. Criteria: Invitae Variant Classification Sherloc (09022015). Collection method: clinical testing. Allele origin: germline.
Comment: This sequence change replaces glycine, which is neutral and non-polar, with valine, which is neutral and non-polar, at codon 39 of the COL9A2 protein (p.Gly39Val). This variant is not present in population databases (gnomAD no frequency). This variant has not been reported in the literature in individuals affected with COL9A2-related conditions. Experimental studies and prediction algorithms are not available or were not evaluated, and the functional significance of this variant is currently unknown. In summary, the available evidence is currently insufficient to determine the role of this variant in disease. Therefore, it has been classified as a Variant of Uncertain Significance.